The following is an entry in ClinVar:

ClinVar aggregate classification (germline): Likely benign. Review status: criteria provided, multiple submitters, no conflicts (2 of 4 stars). 5 submissions from 5 submitters: Likely benign (3). 2 of the submissions do not count toward it. Last evaluated 2025-10-03.

Conditions:
Hereditary insensitivity to pain with anhidrosis (CIPA). Also called: NTRK1 Congenital Insensitivity to Pain with Anhidrosis; INSENSITIVITY TO PAIN, CONGENITAL, WITH ANHIDROSIS; FAMILIAL DYSAUTONOMIA, TYPE II; hereditary sensory and autonomic neuropathy type 4; HSAN Type IV; NEUROPATHY, CONGENITAL SENSORY, WITH ANHIDROSIS. Identifiers: Orphanet 642, MedGen C0020074, MONDO:0009746, OMIM 256800.
NTRK1-related disorder. Also called: NTRK1-related condition.

Allele frequency attached by ClinVar (database versions not stated): gnomAD exomes 0.00003 and 0.00006; ExAC 0.00007; ESP Exome Variant Server 0.00015; gnomAD 0.00016 and 0.00018; TOPMed 0.00026.
gnomAD v4.1: 73 of 1,611,738 alleles (0.0045%); highest among the groups gnomAD compares: African/African-American, 0.056%; no homozygotes.

Submissions (5):

Labcorp Genetics (formerly Invitae), Labcorp
Classification: Likely benign for Hereditary insensitivity to pain with anhidrosis. Last evaluated: 2025-10-03. Review status: criteria provided, single submitter. Criteria: Invitae Variant Classification Sherloc (09022015). Collection method: clinical testing. Allele origin: germline.

Genome-Nilou Lab
Classification: Likely benign for Hereditary insensitivity to pain with anhidrosis. Last evaluated: 2023-04-11. Review status: criteria provided, single submitter. Criteria: ACMG Guidelines, 2015. Collection method: clinical testing. Allele origin: germline. Affected: no.

Women's Health and Genetics/Laboratory Corporation of America, LabCorp
Classification: Likely benign. Last evaluated: 2021-11-09. Review status: criteria provided, single submitter. Criteria: LabCorp Variant Classification Summary - May 2015. Collection method: clinical testing. Allele origin: germline.

Natera, Inc.
Classification: Likely benign for Hereditary insensitivity to pain with anhidrosis. Last evaluated: 2020-04-06. Review status: no assertion criteria provided. Collection method: clinical testing. Allele origin: germline. Not counted in ClinVar's aggregate classification.

PreventionGenetics, part of Exact Sciences
Classification: Likely benign for NTRK1-related condition. Last evaluated: 2019-08-19. Review status: no assertion criteria provided. Collection method: clinical testing. Allele origin: germline. Not counted in ClinVar's aggregate classification.
Comment: This variant is classified as likely benign based on ACMG/AMP sequence variant interpretation guidelines (Richards et al. 2015 PMID: 25741868, with internal and published modifications).

NM_002529.4(NTRK1):c.927G>A (p.Pro309=)

Gene: NTRK1 (neurotrophic receptor tyrosine kinase 1; plus strand). Cytogenetic location: 1q23.1.
Variant type: single nucleotide variant.
Coding change: c.927G>A on transcript NM_002529.4 (MANE Select); coding-DNA position 927, G replaced by A.
Protein change: p.Pro309=; no amino-acid change (proline 309 retained).
Molecular consequence: synonymous variant.
Genome position (GRCh38, 1-based): chr1:156,873,709, G>A. VCF-style: chr1-156873709-G-A. GRCh37 (hg19) VCF-style: chr1-156843501-G-A.
Other names: c.837G>A, p.Pro279= (NM_001007792.1); c.927G>A, p.Pro309= (NM_001012331.2); c.927G>A (NM_002529.3).
Identifiers: ClinVar variation 775976 (VCV000775976.17), dbSNP rs144015813, ClinGen allele CA1169144.
Genomic context (GRCh38, chr1:156,873,709, plus strand): 5'-GCTGCACACGGCGGTGGAGATGCACCACTGGTGCATCCCCTTCTCTGTGGATGGGCAGCC[G>A]GCACCGTCTCTGCGCTGGCTCTTCAATGGCTCCGTGCTCAATGAGACCAGCTTCATCTTC-3'
Protein context (NP_002520.2, residues 299-319): WCIPFSVDGQ[Pro309=]APSLRWLFNG